The following is an entry in ClinVar:

NM_182916.3(TRNT1):c.679G>T (p.Ala227Ser)

Gene: TRNT1 (tRNA nucleotidyl transferase 1; plus strand). Cytogenetic location: 3p26.2.
Variant type: single nucleotide variant.
Coding change: c.679G>T on transcript NM_182916.3 (MANE Select); coding-DNA position 679, G replaced by T.
Protein change: p.Ala227Ser; replaces alanine 227 with serine.
Molecular consequence: missense variant. On other transcripts: non-coding transcript variant (6).
Genome position (GRCh38, 1-based): chr3:3,146,500, G>T. VCF-style: chr3-3146500-G-T. GRCh37 (hg19) VCF-style: chr3-3188184-G-T.
Other names: c.679G>T, p.Ala227Ser (NM_001302946.2, NM_001367321.1, NM_001367322.1 and 1 more transcripts); short protein forms A227S.
Identifiers: ClinVar variation 1488968 (VCV001488968.8), dbSNP rs2126034812, ClinGen allele CA351447073.
Genomic context (GRCh38, chr3:3,146,500, plus strand): 5'-AGAATTGTAGACAAACCTGGTGACCATGATCCTGAGACTTTGGAAGCAATTGCAGAAAAT[G>T]CAAAAGGCTTGGCTGGAATATCAGGAGAAAGGATTTGGGTGGAACTGAAAAAAATTCTTG-3'
Protein context (NP_886552.3, residues 217-237): PETLEAIAEN[Ala227Ser]KGLAGISGER

ClinVar aggregate classification (germline): Uncertain significance (1 of 4 stars; one submission).

Conditions:
Congenital sideroblastic anemia-B-cell immunodeficiency-periodic fever-developmental delay syndrome. Also called: Sideroblastic anemia with B-cell immunodeficiency, periodic fevers, and developmental delay. Identifiers: Orphanet 369861, MedGen C4015172, MONDO:0014487, OMIM 616084.

Allele frequency attached by ClinVar (database versions not stated): gnomAD exomes below 0.00001.

Submission:

Labcorp Genetics (formerly Invitae), Labcorp
Classification: Uncertain significance for Congenital sideroblastic anemia-B-cell immunodeficiency-periodic fever-developmental delay syndrome. Last evaluated: 2022-07-06. Review status: criteria provided, single submitter. Criteria: Invitae Variant Classification Sherloc (09022015). Collection method: clinical testing. Allele origin: germline.
Comment: This sequence change replaces alanine, which is neutral and non-polar, with serine, which is neutral and polar, at codon 227 of the TRNT1 protein (p.Ala227Ser). In summary, the available evidence is currently insufficient to determine the role of this variant in disease. Therefore, it has been classified as a Variant of Uncertain Significance. Algorithms developed to predict the effect of missense changes on protein structure and function are either unavailable or do not agree on the potential impact of this missense change (SIFT: "Tolerated"; PolyPhen-2: "Possibly Damaging"; Align-GVGD: "Class C0"). ClinVar contains an entry for this variant (Variation ID: 1488968). This variant has not been reported in the literature in individuals affected with TRNT1-related conditions. This variant is not present in population databases (gnomAD no frequency).